The following is an entry in ClinVar:

ClinVar aggregate classification (germline): Uncertain significance. Review status: criteria provided, multiple submitters, no conflicts (2 of 4 stars). 3 submissions from 3 submitters: Uncertain significance (3). Last evaluated 2025-11-17.

Conditions:
Hereditary cancer-predisposing syndrome. Also called: Tumor predisposition; Neoplastic Syndromes, Hereditary; Hereditary Cancer Syndrome; Hereditary neoplastic syndrome. Identifiers: Orphanet 140162, MedGen C0027672, MeSH D009386, MONDO:0015356.
Ataxia-telangiectasia syndrome (AT). Also called: ATAXIA-TELANGIECTASIA, COMPLEMENTATION GROUP A; ATAXIA-TELANGIECTASIA, FRESNO VARIANT; Ataxia-telangiectasia; Ataxia-telangiectasia, complementation group D; AT, COMPLEMENTATION GROUP C; Ataxia-telangiectasia, complementation group E. Identifiers: Orphanet 100, MedGen C0004135, MONDO:0008840, OMIM 208900.

Allele frequency attached by ClinVar (database versions not stated): gnomAD exomes below 0.00001; gnomAD 0.00001.
gnomAD v4.1: 1 of 1,613,954 alleles (0.000062%); highest among the groups gnomAD compares: Non-Finnish European, 0.000085%; no homozygotes.

Submissions (3):

Labcorp Genetics (formerly Invitae), Labcorp
Classification: Uncertain significance for Ataxia-telangiectasia syndrome. Last evaluated: 2025-11-17. Review status: criteria provided, single submitter. Criteria: Invitae Variant Classification Sherloc (09022015). Collection method: clinical testing. Allele origin: germline.
Comment: This sequence change replaces phenylalanine, which is neutral and non-polar, with leucine, which is neutral and non-polar, at codon 2410 of the ATM protein (p.Phe2410Leu). This variant is present in population databases (rs193302874, gnomAD 0.0009%). This variant has not been reported in the literature in individuals affected with ATM-related conditions. ClinVar contains an entry for this variant (Variation ID: 826919). Invitae Evidence Modeling of protein sequence and biophysical properties (such as structural, functional, and spatial information, amino acid conservation, physicochemical variation, residue mobility, and thermodynamic stability) has been performed for this missense variant. However, the output from this modeling did not meet the statistical confidence thresholds required to predict the impact of this variant on ATM protein function. In summary, the available evidence is currently insufficient to determine the role of this variant in disease. Therefore, it has been classified as a Variant of Uncertain Significance.

Ambry Genetics
Classification: Uncertain significance for Hereditary cancer-predisposing syndrome. Last evaluated: 2025-07-02. Review status: criteria provided, single submitter. Criteria: Ambry Variant Classification Scheme 2023. Collection method: clinical testing. Allele origin: germline.
Comment: The p.F2410L variant (also known as c.7228T>C), located in coding exon 48 of the ATM gene, results from a T to C substitution at nucleotide position 7228. The phenylalanine at codon 2410 is replaced by leucine, an amino acid with highly similar properties. This amino acid position is highly conserved in available vertebrate species. In addition, the in silico prediction for this alteration is inconclusive. Since supporting evidence is limited at this time, the clinical significance of this alteration remains unclear.

GeneDx
Classification: Uncertain significance. Last evaluated: 2023-07-27. Review status: criteria provided, single submitter. Criteria: GeneDx Variant Classification Process June 2021. Collection method: clinical testing. Allele origin: germline. Affected: yes.
Comment: Not observed at significant frequency in large population cohorts (gnomAD); In silico analysis supports that this missense variant has a deleterious effect on protein structure/function; Observed in an individual with cancer undergoing radiation therapy; however, the type of cancer was not specified (Petereit et al., 2013); This variant is associated with the following publications: (PMID: 23532176, 24416720)

Literature cited by the submitters: PubMed 24416720 (cited by Ambry Genetics).

NM_000051.4(ATM):c.7228T>C (p.Phe2410Leu)

Genes: ATM (ATM serine/threonine kinase; plus strand), C11orf65 (chromosome 11 open reading frame 65; minus strand). Cytogenetic location: 11q22.3.
Variant type: single nucleotide variant.
Coding change: c.7228T>C on transcript NM_000051.4 (MANE Select); coding-DNA position 7228, T replaced by C.
Protein change: p.Phe2410Leu; replaces phenylalanine 2410 with leucine.
Molecular consequence: missense variant. On other transcripts: intron variant (2).
Genome position (GRCh38, 1-based): chr11:108,329,159, T>C. VCF-style: chr11-108329159-T-C. GRCh37 (hg19) VCF-style: chr11-108199886-T-C.
Other names: c.7228T>C, p.Phe2410Leu (NM_001351834.2); c.641-20088A>G (NM_001330368.2); c.*38+6061A>G (NM_001351110.2); short protein forms F2410L.
Identifiers: ClinVar variation 826919 (VCV000826919.10), dbSNP rs193302874, ClinGen allele CA228415432.